The following is an entry in ClinVar:

ClinVar aggregate classification (germline): Uncertain significance. Review status: criteria provided, multiple submitters, no conflicts (2 of 4 stars). 2 submissions from 2 submitters: Uncertain significance (2). Last evaluated 2025-06-14.

Conditions:
Cardiovascular phenotype. Identifiers: MedGen CN230736.

Allele frequency attached by ClinVar (database versions not stated): gnomAD 0.00001; ExAC 0.00002; TOPMed below 0.00001.
gnomAD v4.1: 2 of 1,575,058 alleles (0.00013%); highest among the groups gnomAD compares: Admixed American, 0.0018%; no homozygotes.

Submissions (2):

Labcorp Genetics (formerly Invitae), Labcorp
Classification: Uncertain significance. Last evaluated: 2025-06-14. Review status: criteria provided, single submitter. Criteria: Invitae Variant Classification Sherloc (09022015). Collection method: clinical testing. Allele origin: germline.
Comment: This sequence change replaces proline, which is neutral and non-polar, with serine, which is neutral and polar, at codon 1156 of the ALPK3 protein (p.Pro1156Ser). This variant is present in population databases (rs773148900, gnomAD 0.006%). This variant has not been reported in the literature in individuals affected with ALPK3-related conditions. ClinVar contains an entry for this variant (Variation ID: 1731687). Invitae Evidence Modeling of protein sequence and biophysical properties (such as structural, functional, and spatial information, amino acid conservation, physicochemical variation, residue mobility, and thermodynamic stability) indicates that this missense variant is not expected to disrupt ALPK3 protein function with a negative predictive value of 80%. In summary, the available evidence is currently insufficient to determine the role of this variant in disease. Therefore, it has been classified as a Variant of Uncertain Significance.

Ambry Genetics
Classification: Uncertain significance for Cardiovascular phenotype. Last evaluated: 2022-09-19. Review status: criteria provided, single submitter. Criteria: Ambry Variant Classification Scheme 2023. Collection method: clinical testing. Allele origin: germline.
Comment: The p.P1156S variant (also known as c.3466C>T), located in coding exon 6 of the ALPK3 gene, results from a C to T substitution at nucleotide position 3466. The proline at codon 1156 is replaced by serine, an amino acid with similar properties. This amino acid position is conserved. In addition, this alteration is predicted to be tolerated by in silico analysis. Since supporting evidence is limited at this time, the clinical significance of this alteration remains unclear.

NM_020778.5(ALPK3):c.2860C>T (p.Pro954Ser)

Gene: ALPK3 (alpha kinase 3; plus strand). Cytogenetic location: 15q25.3.
Variant type: single nucleotide variant.
Coding change: c.2860C>T on transcript NM_020778.5 (MANE Select); coding-DNA position 2860, C replaced by T.
Protein change: p.Pro954Ser; replaces proline 954 with serine.
Molecular consequence: missense variant.
Genome position (GRCh38, 1-based): chr15:84,857,598, C>T. VCF-style: chr15-84857598-C-T. GRCh37 (hg19) VCF-style: chr15-85400829-C-T.
Other names: short protein forms P954S.
Identifiers: ClinVar variation 1731687 (VCV001731687.5), dbSNP rs773148900, ClinGen allele CA7709509.